The following is an entry in ClinVar:

ClinVar aggregate classification (germline): Uncertain significance (1 of 4 stars; one submission).

Allele frequency attached by ClinVar (database versions not stated): gnomAD exomes below 0.00001; ExAC 0.00001; gnomAD 0.00001; ESP Exome Variant Server 0.00009.
gnomAD v4.1: 3 of 1,209,138 alleles (0.00025%); highest among the groups gnomAD compares: South Asian, 0.0018%; no homozygotes.

Submission:

CeGaT Center for Human Genetics Tuebingen
Classification: Uncertain significance. Last evaluated: 2023-12-01. Review status: criteria provided, single submitter. Criteria: CeGaT Center For Human Genetics Tuebingen Variant Classification Criteria Version 2. Collection method: clinical testing. Allele origin: germline. Affected: yes. Observed: 1 variant allele.
Comment: PTCHD1: PM2:Supporting, BP4

NM_173495.3(PTCHD1):c.456C>T (p.Asp152=)

Gene: PTCHD1 (patched domain containing 1; plus strand). Cytogenetic location: Xp22.11.
Variant type: single nucleotide variant.
Coding change: c.456C>T on transcript NM_173495.3 (MANE Select); coding-DNA position 456, C replaced by T.
Protein change: p.Asp152=; no amino-acid change (aspartic acid 152 retained).
Molecular consequence: synonymous variant.
Genome position (GRCh38, 1-based): chrX:23,379,695, C>T. VCF-style: chrX-23379695-C-T. GRCh37 (hg19) VCF-style: chrX-23397812-C-T.
Identifiers: ClinVar variation 3025783 (VCV003025783.22), dbSNP rs370265016, ClinGen allele CA10369034.
Genomic context (GRCh38, chrX:23,379,695, plus strand): 5'-TAATTACACGTTTGCCCATATATGTATCCTGAATAATGATAAGACTTGCATCGTGGATGA[C>T]ATAGTGCACGTCCTGGAAGAGCTAAAGAATGCTCGGGCCACCAATCGGACCAATTTTGCT-3'
Protein context (NP_775766.2, residues 142-162): LNNDKTCIVD[Asp152=]IVHVLEELKN